The following is an entry in ClinVar:

ClinVar aggregate classification (germline): Pathogenic (1 of 4 stars; one submission).

Submission:

GeneDx
Classification: Pathogenic. Last evaluated: 2018-10-06. Review status: criteria provided, single submitter. Criteria: GeneDx Variant Classification (06012015). Collection method: clinical testing. Allele origin: germline. Affected: yes.
Comment: The c.7delG variant in the SLC35A2 gene has not been reported previously as a pathogenic variant nor as a benign variant, to our knowledge. The c.7delG variant causes a frameshift starting with codon Alanine 3, changes this amino acid to an Arginine residue, and creates a premature Stop codon at position 33 of the new reading frame, denoted p.Ala3ArgfsX33. This variant is predicted to cause loss of normal protein function either through protein truncation or nonsense-mediated mRNA decay. The c.7delG variant is not observed in large population cohorts (Lek et al., 2016). We interpret c.7delG as a pathogenic variant,

NM_005660.3(SLC35A2):c.7del (p.Ala3fs)

Gene: SLC35A2 (solute carrier family 35 member A2; minus strand). Cytogenetic location: Xp11.23.
Variant type: Deletion.
Coding change: c.7del on transcript NM_005660.3 (MANE Select); coding-DNA position 7, one base deleted (G; older notation c.7delG).
Protein change: p.Ala3fs; shifts the reading frame from alanine 3.
Molecular consequence: frameshift variant. On other transcripts: intron variant (1).
Genome position (GRCh38, 1-based): chrX:48,911,630, C deleted on the plus strand (G on the coding strand, the reverse complement: SLC35A2 is on the minus strand). VCF-style (leftmost placement, unchanged base first): chrX-48911629-GC-G. GRCh37 (hg19) VCF-style: chrX-48768906-GC-G.
Other names: c.7del, p.Ala3fs (NM_001032289.3, NM_001042498.3, NM_001282647.2 and 3 more transcripts); c.19+229del (NM_001282648.2); short protein forms A3fs.
Identifiers: ClinVar variation 817834 (VCV000817834.1), dbSNP rs1602347861, ClinGen allele CA915951107.
Genomic context (GRCh38, chrX:48,911,629, plus strand): 5'-AATGCACCCGCGGAAACCGCCCCTGGCCCGGGCGCCGCGGTGGAACCACCAGCCCCAACC[GC>G]TGCCATGTTGGCATCTGCCCGGCCCGTCCCCTCGGCAACAGAAAAACCACTTCCGCGTTC-3'